The following is an entry in ClinVar:

ClinVar aggregate classification (germline): Uncertain significance. Review status: criteria provided, multiple submitters, no conflicts (2 of 4 stars). 2 submissions from 2 submitters: Uncertain significance (2). Last evaluated 2025-04-14.

Conditions:
Inborn genetic diseases. Identifiers: MedGen C0950123, MeSH D030342.
2-aminoadipic 2-oxoadipic aciduria (AAKAD). Also called: Aminoadipic aciduria; ALPHA-AMINOADIPIC AND ALPHA-KETOADIPIC ACIDURIA. Identifiers: Orphanet 79154, MedGen C1859817, MONDO:0008774, OMIM 204750.

Submissions (2):

Ambry Genetics
Classification: Uncertain significance for Inborn genetic diseases. Last evaluated: 2025-04-14. Review status: criteria provided, single submitter. Criteria: Ambry Variant Classification Scheme 2023. Collection method: clinical testing. Allele origin: germline.

Labcorp Genetics (formerly Invitae), Labcorp
Classification: Uncertain significance for 2-aminoadipic 2-oxoadipic aciduria. Last evaluated: 2023-11-22. Review status: criteria provided, single submitter. Criteria: Invitae Variant Classification Sherloc (09022015). Collection method: clinical testing. Allele origin: germline.
Comment: This sequence change replaces lysine, which is basic and polar, with arginine, which is basic and polar, at codon 148 of the DHTKD1 protein (p.Lys148Arg). This variant is present in population databases (rs141676270, gnomAD 0.007%). This variant has not been reported in the literature in individuals affected with DHTKD1-related conditions. Advanced modeling of protein sequence and biophysical properties (such as structural, functional, and spatial information, amino acid conservation, physicochemical variation, residue mobility, and thermodynamic stability) performed at Invitae indicates that this missense variant is not expected to disrupt DHTKD1 protein function with a negative predictive value of 80%. In summary, the available evidence is currently insufficient to determine the role of this variant in disease. Therefore, it has been classified as a Variant of Uncertain Significance.

NM_018706.7(DHTKD1):c.443A>G (p.Lys148Arg)

Gene: DHTKD1 (dehydrogenase E1 and transketolase domain containing 1; plus strand). Cytogenetic location: 10p14.
Variant type: single nucleotide variant.
Coding change: c.443A>G on transcript NM_018706.7 (MANE Select); coding-DNA position 443, A replaced by G.
Protein change: p.Lys148Arg; replaces lysine 148 with arginine.
Molecular consequence: missense variant.
Genome position (GRCh38, 1-based): chr10:12,084,672, A>G. VCF-style: chr10-12084672-A-G. GRCh37 (hg19) VCF-style: chr10-12126671-A-G.
Other names: c.443A>G (NM_018706.5); short protein forms K148R.
Identifiers: ClinVar variation 2909155 (VCV002909155.4), dbSNP rs141676270, ClinGen allele CA5407535.